The following is an entry in ClinVar:

ClinVar aggregate classification (germline): Conflicting classifications of pathogenicity. Review status: criteria provided, conflicting classifications (1 of 4 stars). 2 submissions from 2 submitters: Pathogenic (1); Uncertain significance (1). Last evaluated 2022-09-19.

Submissions (2):

Labcorp Genetics (formerly Invitae), Labcorp
Classification: Pathogenic. Last evaluated: 2022-09-19. Review status: criteria provided, single submitter. Criteria: Invitae Variant Classification Sherloc (09022015). Collection method: clinical testing. Allele origin: germline.
Comment: For these reasons, this variant has been classified as Pathogenic. ClinVar contains an entry for this variant (Variation ID: 1373997). This variant has not been reported in the literature in individuals affected with RINT1-related conditions. This variant is present in population databases (no rsID available, gnomAD 0.01%). This sequence change creates a premature translational stop signal (p.Arg256*) in the RINT1 gene. It is expected to result in an absent or disrupted protein product. Loss-of-function variants in RINT1 are known to be pathogenic (PMID: 31204009).

Ambry Genetics
Classification: Uncertain significance. Last evaluated: 2022-06-28. Review status: criteria provided, single submitter. Criteria: Ambry Variant Classification Scheme 2023. Collection method: clinical testing. Allele origin: germline.
Comment: The p.R256* variant (also known as c.766C>T), located in coding exon 6 of the RINT1 gene, results from a C to T substitution at nucleotide position 766. This changes the amino acid from an arginine to a stop codon within coding exon 6. This alteration is expected to result in premature protein truncation or nonsense-mediated mRNA decay. However, the evidence for this gene-disease relationship is limited; therefore, the clinical significance of this alteration is unclear.

Literature cited by the submitters: PubMed 31204009 (cited by Labcorp Genetics (formerly Invitae), Labcorp).

NM_021930.6(RINT1):c.766C>T (p.Arg256Ter)

Gene: RINT1 (RAD50 interactor 1; plus strand). Cytogenetic location: 7q22.3.
Variant type: single nucleotide variant.
Coding change: c.766C>T on transcript NM_021930.6 (MANE Select); coding-DNA position 766, C replaced by T.
Protein change: p.Arg256Ter; replaces arginine 256 with a stop codon.
Molecular consequence: nonsense. On other transcripts: 5 prime UTR variant (2), non-coding transcript variant (1), intron variant (1).
Genome position (GRCh38, 1-based): chr7:105,547,260, C>T. VCF-style: chr7-105547260-C-T. GRCh37 (hg19) VCF-style: chr7-105187707-C-T.
Other names: c.532C>T, p.Arg178Ter (NM_001346599.2); c.-254C>T (NM_001346600.2); c.-157C>T (NM_001346601.2); c.-27-2795C>T (NM_001346603.2); short protein forms R178*, R256*.
Identifiers: ClinVar variation 1373997 (VCV001373997.8), dbSNP rs144994876, ClinGen allele CA368806340.